The following is an entry in ClinVar:

NM_005228.5(EGFR):c.2036T>C (p.Leu679Pro)

Gene: EGFR (epidermal growth factor receptor; plus strand). Cytogenetic location: 7p11.2.
Variant type: single nucleotide variant.
Coding change: c.2036T>C on transcript NM_005228.5 (MANE Select); coding-DNA position 2036, T replaced by C.
Protein change: p.Leu679Pro; replaces leucine 679 with proline.
Molecular consequence: missense variant.
Genome position (GRCh38, 1-based): chr7:55,173,099, T>C. VCF-style: chr7-55173099-T-C. GRCh37 (hg19) VCF-style: chr7-55240792-T-C.
Other names: c.1901T>C, p.Leu634Pro (NM_001346897.2, NM_001346899.2); c.2036T>C, p.Leu679Pro (NM_001346898.2); c.1877T>C, p.Leu626Pro (NM_001346900.2); c.1235T>C, p.Leu412Pro (NM_001346941.2); short protein forms L626P, L412P, L679P, L634P.
Identifiers: ClinVar variation 3013911 (VCV003013911.3), dbSNP rs2128952660, ClinGen allele CA367583229.

ClinVar aggregate classification (germline): Uncertain significance (1 of 4 stars; one submission).

Conditions:
EGFR-related lung cancer (EGFR). Identifiers: MedGen CN130014.

Allele frequency attached by ClinVar (database versions not stated): gnomAD exomes below 0.00001.
gnomAD v4.1: 1 of 1,611,888 alleles (0.000062%); highest among the groups gnomAD compares: Non-Finnish European, 0.000085%; no homozygotes.

Submission:

Labcorp Genetics (formerly Invitae), Labcorp
Classification: Uncertain significance for EGFR-related lung cancer. Last evaluated: 2024-08-08. Review status: criteria provided, single submitter. Criteria: Invitae Variant Classification Sherloc (09022015). Collection method: clinical testing. Allele origin: germline.
Comment: This sequence change replaces leucine, which is neutral and non-polar, with proline, which is neutral and non-polar, at codon 679 of the EGFR protein (p.Leu679Pro). This variant is not present in population databases (gnomAD no frequency). This variant has not been reported in the literature in individuals affected with EGFR-related conditions. Advanced modeling of protein sequence and biophysical properties (such as structural, functional, and spatial information, amino acid conservation, physicochemical variation, residue mobility, and thermodynamic stability) performed at Invitae indicates that this missense variant is expected to disrupt EGFR protein function with a positive predictive value of 80%. In summary, the available evidence is currently insufficient to determine the role of this variant in disease. Therefore, it has been classified as a Variant of Uncertain Significance.